The following is an entry in ClinVar:

ClinVar aggregate classification (germline): Uncertain significance (1 of 4 stars; one submission).

Submission:

Labcorp Genetics (formerly Invitae), Labcorp
Classification: Uncertain significance. Last evaluated: 2022-06-20. Review status: criteria provided, single submitter. Criteria: Invitae Variant Classification Sherloc (09022015). Collection method: clinical testing. Allele origin: germline.
Comment: This sequence change replaces valine, which is neutral and non-polar, with aspartic acid, which is acidic and polar, at codon 362 of the PLAA protein (p.Val362Asp). Information on the frequency of this variant in the gnomAD database is not available, as this variant may be reported differently in the database. This variant has not been reported in the literature in individuals affected with PLAA-related conditions. Algorithms developed to predict the effect of missense changes on protein structure and function are either unavailable or do not agree on the potential impact of this missense change (SIFT: "Not Available"; PolyPhen-2: "Probably Damaging"; Align-GVGD: "Not Available"). In summary, the available evidence is currently insufficient to determine the role of this variant in disease. Therefore, it has been classified as a Variant of Uncertain Significance.

NM_001031689.3(PLAA):c.1085_1086delinsAT (p.Val362Asp)

Gene: PLAA (phospholipase A2 activating protein; minus strand). Cytogenetic location: 9p21.2.
Variant type: Indel.
Coding change: c.1085_1086delinsAT on transcript NM_001031689.3 (MANE Select); coding-DNA positions 1085 to 1086, TC replaced by AT.
Protein change: p.Val362Asp; replaces valine 362 with aspartic acid.
Molecular consequence: missense variant.
Genome position (GRCh38, 1-based): chr9:26,920,338-26,920,339, GA replaced by AT on the plus strand (TC replaced by AT on the coding strand, the reverse complement: PLAA is on the minus strand). VCF-style: chr9-26920338-GA-AT. GRCh37 (hg19) VCF-style: chr9-26920336-GA-AT.
Other names: c.1085_1086delinsAT, p.Val362Asp (NM_001321546.2); short protein forms V362D.
Identifiers: ClinVar variation 1999833 (VCV001999833.1), dbSNP rs2489191382, ClinGen allele CA2580080304.